The following is an entry in ClinVar:

NM_004260.4(RECQL4):c.1959A>G (p.Ala653=)

Gene: RECQL4 (RecQ like helicase 4; minus strand). Cytogenetic location: 8q24.3.
Variant type: single nucleotide variant.
Coding change: c.1959A>G on transcript NM_004260.4 (MANE Select); coding-DNA position 1959, A replaced by G.
Protein change: p.Ala653=; no amino-acid change (alanine 653 retained).
Molecular consequence: synonymous variant.
Genome position (GRCh38, 1-based): chr8:144,514,027, T>C on the plus strand (A>G on the coding strand, the complement: RECQL4 is on the minus strand). VCF-style: chr8-144514027-T-C. GRCh37 (hg19) VCF-style: chr8-145739411-T-C.
Identifiers: ClinVar variation 239712 (VCV000239712.15), dbSNP rs574411332, ClinGen allele CA4948561.

ClinVar aggregate classification (germline): Benign/Likely benign. Review status: criteria provided, multiple submitters, no conflicts (2 of 4 stars). 4 submissions from 4 submitters: Benign (1); Likely benign (2). 1 of the submissions does not count toward it. Last evaluated 2026-02-03.

Conditions:
Inborn genetic diseases. Identifiers: MedGen C0950123, MeSH D030342.
Baller-Gerold syndrome (BGS). Also called: CRANIOSYNOSTOSIS WITH RADIAL DEFECTS. Identifiers: Orphanet 1225, MedGen C0265308, MONDO:0009039, OMIM 218600.
RECQL4-related disorder. Also called: RECQL4-related condition; RECQL4-related disorders.

Allele frequency attached by ClinVar (database versions not stated): gnomAD 0.00004 and 0.00006; gnomAD exomes 0.00007 and 0.00022; TOPMed 0.00009; 1000 Genomes Project 30x 0.00016; 1000 Genomes Project 0.00020; ExAC 0.00035.
gnomAD v4.1: 110 of 1,574,384 alleles (0.007%); highest among the groups gnomAD compares: East Asian, 0.25%; 1 homozygote.

Submissions (4):

Labcorp Genetics (formerly Invitae), Labcorp
Classification: Benign for Baller-Gerold syndrome. Last evaluated: 2026-02-03. Review status: criteria provided, single submitter. Criteria: Invitae Variant Classification Sherloc (09022015). Collection method: clinical testing. Allele origin: germline.

Ambry Genetics
Classification: Likely benign for Inborn genetic diseases. Last evaluated: 2024-11-20. Review status: criteria provided, single submitter. Criteria: Ambry Variant Classification Scheme 2023. Collection method: clinical testing. Allele origin: germline.

Blueprint Genetics
Classification: Likely benign. Last evaluated: 2024-08-05. Review status: criteria provided, single submitter. Criteria: ACMG Guidelines, 2015. Collection method: clinical testing. Allele origin: germline.

PreventionGenetics, part of Exact Sciences
Classification: Likely benign for RECQL4-related condition. Last evaluated: 2022-08-17. Review status: no assertion criteria provided. Collection method: clinical testing. Allele origin: germline. Not counted in ClinVar's aggregate classification.
Comment: This variant is classified as likely benign based on ACMG/AMP sequence variant interpretation guidelines (Richards et al. 2015 PMID: 25741868, with internal and published modifications).